The following is an entry in ClinVar:

ClinVar aggregate classification (germline): Likely benign. Review status: criteria provided, single submitter (1 of 4 stars). 2 submissions from 2 submitters: Likely benign (1). 1 of the submissions does not count toward it. Last evaluated 2023-11-17.

Conditions:
ATP6V1B1-related disorder. Also called: ATP6V1B1-related condition.

Allele frequency attached by ClinVar (database versions not stated): gnomAD exomes below 0.00001; gnomAD 0.00001 and 0.00002; TOPMed 0.00004.

Submissions (2):

Labcorp Genetics (formerly Invitae), Labcorp
Classification: Likely benign. Last evaluated: 2023-11-17. Review status: criteria provided, single submitter. Criteria: Invitae Variant Classification Sherloc (09022015). Collection method: clinical testing. Allele origin: germline.

PreventionGenetics, part of Exact Sciences
Classification: Likely benign for ATP6V1B1-related condition. Last evaluated: 2019-02-21. Review status: no assertion criteria provided. Collection method: clinical testing. Allele origin: germline. Not counted in ClinVar's aggregate classification.
Comment: This variant is classified as likely benign based on ACMG/AMP sequence variant interpretation guidelines (Richards et al. 2015 PMID: 25741868, with internal and published modifications).

NM_001692.4(ATP6V1B1):c.1395C>A (p.Arg465=)

Gene: ATP6V1B1 (ATPase H+ transporting V1 subunit B1; plus strand). Cytogenetic location: 2p13.3.
Variant type: single nucleotide variant.
Coding change: c.1395C>A on transcript NM_001692.4 (MANE Select); coding-DNA position 1395, C replaced by A.
Protein change: p.Arg465=; no amino-acid change (arginine 465 retained).
Molecular consequence: synonymous variant.
Genome position (GRCh38, 1-based): chr2:70,964,974, C>A. VCF-style: chr2-70964974-C-A. GRCh37 (hg19) VCF-style: chr2-71192104-C-A.
Other names: c.1395C>A (NM_001692.3).
Identifiers: ClinVar variation 1602026 (VCV001602026.10), dbSNP rs1304794595, ClinGen allele CA426755955.